The following is an entry in ClinVar:

ClinVar aggregate classification (germline): Uncertain significance (1 of 4 stars; one submission).

Allele frequency attached by ClinVar (database versions not stated): ExAC 0.00001.

Submission:

Labcorp Genetics (formerly Invitae), Labcorp
Classification: Uncertain significance. Last evaluated: 2022-08-24. Review status: criteria provided, single submitter. Criteria: Invitae Variant Classification Sherloc (09022015). Collection method: clinical testing. Allele origin: germline.
Comment: This sequence change replaces isoleucine, which is neutral and non-polar, with threonine, which is neutral and polar, at codon 965 of the BPTF protein (p.Ile965Thr). This variant is present in population databases (rs777339293, gnomAD 0.0009%). This variant has not been reported in the literature in individuals affected with BPTF-related conditions. Algorithms developed to predict the effect of missense changes on protein structure and function are either unavailable or do not agree on the potential impact of this missense change (SIFT: "Tolerated"; PolyPhen-2: "Probably Damaging"; Align-GVGD: "Class C0"). In summary, the available evidence is currently insufficient to determine the role of this variant in disease. Therefore, it has been classified as a Variant of Uncertain Significance.

NM_182641.4(BPTF):c.2516T>C (p.Ile839Thr)

Gene: BPTF (bromodomain PHD finger transcription factor; plus strand). Cytogenetic location: 17q24.2.
Variant type: single nucleotide variant.
Coding change: c.2516T>C on transcript NM_182641.4 (MANE Select); coding-DNA position 2516, T replaced by C.
Protein change: p.Ile839Thr; replaces isoleucine 839 with threonine.
Molecular consequence: missense variant.
Genome position (GRCh38, 1-based): chr17:67,894,138, T>C. VCF-style: chr17-67894138-T-C. GRCh37 (hg19) VCF-style: chr17-65890254-T-C.
Other names: c.2894T>C, p.Ile965Thr (NM_004459.7); short protein forms I839T, I965T.
Identifiers: ClinVar variation 1717989 (VCV001717989.5), dbSNP rs777339293, ClinGen allele CA8725456.